The following is an entry in ClinVar:

ClinVar aggregate classification (germline): Uncertain significance (1 of 4 stars; one submission).

gnomAD v4.1: 2 of 1,613,956 alleles (0.00012%); highest among the groups gnomAD compares: Middle Eastern, 0.017%; no homozygotes.

Submission:

Labcorp Genetics (formerly Invitae), Labcorp
Classification: Uncertain significance. Last evaluated: 2025-03-16. Review status: criteria provided, single submitter. Criteria: Invitae Variant Classification Sherloc (09022015). Collection method: clinical testing. Allele origin: germline.
Comment: This sequence change replaces serine, which is neutral and polar, with asparagine, which is neutral and polar, at codon 1428 of the FN1 protein (p.Ser1428Asn). This variant is not present in population databases (gnomAD no frequency). This variant has not been reported in the literature in individuals affected with FN1-related conditions. An algorithm developed to predict the effect of missense changes on protein structure and function outputs the following: PolyPhen-2: "Benign". The asparagine amino acid residue is found in multiple mammalian species, which suggests that this missense change does not adversely affect protein function. In summary, the available evidence is currently insufficient to determine the role of this variant in disease. Therefore, it has been classified as a Variant of Uncertain Significance.

NM_212482.4(FN1):c.4283G>A (p.Ser1428Asn)

Gene: FN1 (fibronectin 1; minus strand). Cytogenetic location: 2q35.
Variant type: single nucleotide variant.
Coding change: c.4283G>A on transcript NM_212482.4 (MANE Select); coding-DNA position 4283, G replaced by A.
Protein change: p.Ser1428Asn; replaces serine 1428 with asparagine.
Molecular consequence: missense variant.
Genome position (GRCh38, 1-based): chr2:215,388,271, C>T on the plus strand (G>A on the coding strand, the complement: FN1 is on the minus strand). VCF-style: chr2-215388271-C-T. GRCh37 (hg19) VCF-style: chr2-216252994-C-T.
Other names: c.4283G>A, p.Ser1428Asn (NM_001306129.2, NM_001306130.2, NM_001365519.2 and 3 more transcripts); c.4010G>A, p.Ser1337Asn (NM_001365518.2, NM_001365520.2, NM_001365523.2 and 7 more transcripts); short protein forms S1428N, S1337N.
Identifiers: ClinVar variation 4776889 (VCV004776889.1).
Genomic context (GRCh38, chr2:215,388,271, plus strand): 5'-CCTGTTTTCTGTCTTCCTCTAAGAGGTGTGCTCTCATGTTGTTCGTAGACACTGGAGACA[C>T]TCACTACATATTCTGTACCAGGCAGGAGATCTGTAGGGGCAAATGGGGCTTATTTTAAAA-3'
Protein context (NP_997647.2, residues 1418-1438): NLLPGTEYVV[Ser1428Asn]VSSVYEQHES